The following is an entry in ClinVar:

ClinVar aggregate classification (germline): Uncertain significance. Review status: criteria provided, single submitter (1 of 4 stars). 2 submissions from 2 submitters: Uncertain significance (1). 1 of the submissions does not count toward it. Last evaluated 2024-07-14.

Conditions:
Alpha thalassemia-X-linked intellectual disability syndrome (ATRX). Also called: ALPHA-THALASSEMIA/MENTAL RETARDATION SYNDROME, X-LINKED; ATR, NONDELETION TYPE; ATR-X syndrome; Alpha thalassemia mental retardation syndrome, nondeletion type, X-linked; XLMR hypotonic face syndrome; X-linked alpha-thalassemia-mental retardation syndrome. Identifiers: Orphanet 847, MedGen C1845055, MONDO:0010519, OMIM 301040.

Allele frequency attached by ClinVar (database versions not stated): gnomAD exomes below 0.00001; TOPMed 0.00001.
gnomAD v4.1: 1 of 1,210,221 alleles (0.000083%); highest among the groups gnomAD compares: Non-Finnish European, 0.00011%; no homozygotes.

Submissions (2):

Labcorp Genetics (formerly Invitae), Labcorp
Classification: Uncertain significance for Alpha thalassemia-X-linked intellectual disability syndrome. Last evaluated: 2024-07-14. Review status: criteria provided, single submitter. Criteria: Invitae Variant Classification Sherloc (09022015). Collection method: clinical testing. Allele origin: germline.
Comment: This sequence change replaces proline, which is neutral and non-polar, with alanine, which is neutral and non-polar, at codon 479 of the ATRX protein (p.Pro479Ala). This variant is not present in population databases (gnomAD no frequency). This variant has not been reported in the literature in individuals affected with ATRX-related conditions. ClinVar contains an entry for this variant (Variation ID: 2188276). Advanced modeling of protein sequence and biophysical properties (such as structural, functional, and spatial information, amino acid conservation, physicochemical variation, residue mobility, and thermodynamic stability) performed at Invitae indicates that this missense variant is not expected to disrupt ATRX protein function with a negative predictive value of 95%. In summary, the available evidence is currently insufficient to determine the role of this variant in disease. Therefore, it has been classified as a Variant of Uncertain Significance.

Natera, Inc.
Classification: Uncertain significance for X-linked alpha-thalassemia-mental retardation syndrome. Last evaluated: 2025-03-08. Review status: no assertion criteria provided. Collection method: clinical testing. Allele origin: germline. Not counted in ClinVar's aggregate classification.

NM_000489.6(ATRX):c.1435C>G (p.Pro479Ala)

Gene: ATRX (ATRX chromatin remodeler; minus strand). Cytogenetic location: Xq21.1.
Variant type: single nucleotide variant.
Coding change: c.1435C>G on transcript NM_000489.6 (MANE Select); coding-DNA position 1435, C replaced by G.
Protein change: p.Pro479Ala; replaces proline 479 with alanine.
Molecular consequence: missense variant.
Genome position (GRCh38, 1-based): chrX:77,683,821, G>C on the plus strand (C>G on the coding strand, the complement: ATRX is on the minus strand). VCF-style: chrX-77683821-G-C. GRCh37 (hg19) VCF-style: chrX-76939313-G-C.
Other names: c.1321C>G, p.Pro441Ala (NM_138270.5); short protein forms P479A, P441A.
Identifiers: ClinVar variation 2188276 (VCV002188276.4), dbSNP rs1216572735, ClinGen allele CA413718076.